The following is an entry in ClinVar:

ClinVar aggregate classification (germline): Conflicting classifications of pathogenicity; other. Review status: criteria provided, conflicting classifications (1 of 4 stars). 20 submissions from 20 submitters: Pathogenic (7); Likely pathogenic (6); Uncertain significance (5). 1 of the submissions does not count toward it. Last evaluated 2026-05-04.

Conditions:
Gilbert syndrome. Also called: HYPERBILIRUBINEMIA, GILBERT TYPE; Gilbert Disease; HYPERBILIRUBINEMIA I; HYPERBILIRUBINEMIA, ARIAS TYPE; Gilbert's syndrome. Identifiers: MedGen C0017551, MONDO:0007745, OMIM 143500.
Crigler-Najjar syndrome type 1. Also called: HYPERBILIRUBINEMIA, CRIGLER-NAJJAR TYPE I. Identifiers: Orphanet 79234, MedGen C0010324, MONDO:0021020, OMIM 218800.
Lucey-Driscoll syndrome (HBLRTFN). Also called: Transient familial neonatal hyperbilirubinemia. Identifiers: Orphanet 2312, MedGen C0270210, MONDO:0009383, OMIM 237900.
Crigler-Najjar syndrome, type II. Also called: Crigler Najjar syndrome, type 2; Mutation in the UDP-glucuronosyl-transferase gene; HYPERBILIRUBINEMIA, CRIGLER-NAJJAR TYPE II. Identifiers: Orphanet 205, Orphanet 79235, MedGen C2931132, MONDO:0011725, OMIM 606785.
BILIRUBIN, SERUM LEVEL OF, QUANTITATIVE TRAIT LOCUS 1 (BILIQTL1). Identifiers: MedGen C1866173, OMIM 601816.
UGT1A1-related disorder. Also called: UGT1A1-related condition; UGT1A1-related disorders.
UGT1A1 & UGT1A5-related disorders.
Autosomal recessive UGT1A1-related disorders.
Hyperbilirubinemia. Identifiers: MedGen C0311468, MONDO:0024288, HP:0002904.

Allele frequency attached by ClinVar (database versions not stated): ESP Exome Variant Server 0.00008; gnomAD 0.00053 and 0.00071; ExAC 0.00124; gnomAD exomes 0.00124; TOPMed 0.00153; 1000 Genomes Project 0.00220; 1000 Genomes Project 30x 0.00234.
gnomAD v4.1: 720 of 1,614,202 alleles (0.045%); highest among the groups gnomAD compares: East Asian, 0.94%; 7 homozygotes.

Submissions 1 to 7 of 20:

PreventionGenetics, part of Exact Sciences
Classification: Likely pathogenic for UGT1A1-related condition. Last evaluated: 2026-05-04. Review status: criteria provided, single submitter. Criteria: ACMG Guidelines, 2015. Collection method: clinical testing. Allele origin: germline.
Comment: The UGT1A1 c.1091C>T variant is predicted to result in the amino acid substitution p.Pro364Leu. This variant has been reported in the homozygous or compound heterozygous states in patients with Crigler–Najjar syndrome type II (Li et al. 2015. PubMed ID: 25993113; Wu et al. 2016. PubMed ID: 27264814). In other patients with Gilbert’s syndrome (a mild liver disorder), this variant was also reported in the compound heterozygous state along with other well-characterized risk factors for decreased UGT1A1 activity (Takeuchi et al. 2004. PubMed ID: 15304120; Maruo et al. 2014. PubMed ID: 24650397). Functional studies using COS7 cells showed that the p.Pro364Leu substitution reduced UGT1A1 activity by ~64% (Takeuchi et al. 2004. PubMed ID: 15304120; Mimura et al. 2011. PubMed ID: 21726413). In ClinVar, this variant was reported to have conflicting interpretations of pathogenicity ranging from uncertain to pathogenic by different laboratories (Variation ID: 212543). In summary, the c.1091C>T variant is categorized as likely pathogenic.

Victorian Clinical Genetics Services, Murdoch Childrens Research Institute
Classification: Likely pathogenic for Crigler-Najjar syndrome, type II. Last evaluated: 2025-10-13. Review status: criteria provided, single submitter. Criteria: ACMG Guidelines, 2015. Collection method: clinical testing. Allele origin: germline.
Comment: This variant is classified as Likely pathogenic. Evidence in support of pathogenic classification: Variant is present in gnomAD <0.01 for a recessive condition (v4: 706 heterozygote(s), 7 homozygote(s)) ; This variant has strong previous evidence of pathogenicity in unrelated individuals. This variant has been classified as pathogenic or likely pathogenic by many clinical laboratories in ClinVar, and has been reported as homozygous or compound heterozygous in individuals with Gilbert syndrome or Crigler-Najjar syndrome (PMIDs: 35436954, 15304120, 35257483, 37671043). This variant has also been classified as a VUS by some clinical laboratories in ClinVar; This variant has moderate functional evidence supporting abnormal protein function. COS-7 cells transfected with this variant had a 64.4% reduction in UGT1A1 activity compared to wild type cells; Missense variant predicted to be damaging by in silico tool(s) or highly conserved with a major amino acid change. Additional information: Variant is predicted to result in a missense amino acid change from Pro to Leu; This variant is homozygous; This gene is associated with autosomal recessive disease; Variant is located in the annotated UDP-glucoronosyl and UDP-glucosyl transferase domain (DECIPHER); Loss of function is a known mechanism of disease in this gene and is associated with UGT1A1-related disease (OMIM).

GeneDx
Classification: Likely pathogenic. Last evaluated: 2025-10-02. Review status: criteria provided, single submitter. Criteria: GeneDx Variant Classification Process June 2021. Collection method: clinical testing. Allele origin: germline. Affected: yes.
Comment: Identified in the apparent homozygous state, in the single heterozygous state, or with other UGT1A1 variant(s) in multiple patients with hereditary unconjugated hyperbilirubinemias in published literature (PMID: 25993113, 29137095, 34953813, 35436954, 35426266, 31858773); Published functional studies demonstrate a damaging effect with 35.6% enzyme activity compared to wild type (PMID: 15304120, 21726413); In silico analysis supports that this missense variant has a deleterious effect on protein structure/function; Reported using an alternate transcript of the gene; Also known as UGT1A1*63; This variant is associated with the following publications: (PMID: 23875061, 27264814, 30669781, 33083013, 31737051, 20981092, 15304120, 26727668, 29137095, 34426522, 31589614, 35257483, 25993113, 21726413, 35436954, 34953813, 31122244, 36350824, 37671043, 39815789, 36574877, 38279097, 36274106, 35942604, 35426266, 31858773, 31450232, 16610035, 10975608)

Variantyx, Inc.
Classification: Pathogenic for Autosomal recessive UGT1A1-related disorders. Last evaluated: 2025-07-13. Review status: criteria provided, single submitter. Criteria: Variantyx Assertion Criteria 2022. Collection method: clinical testing. Allele origin: germline. Inheritance: Autosomal recessive inheritance. Affected: no.
Comment: This is a nonsynonymous variant in the UGT1A1 gene (OMIM: 191740). Pathogenic variants in this gene have been associated with autosomal recessive UGT1A1-related disorders. Functional studies have shown that this variant alters UGT1A1 protein function (PMID: 21726413, 15304120) (PS3)., and multiple computational algorithms predict a deleterious effect for this variant (REVEL score: 0.836) (PP3). This variant has a 0.9404% maximum allele frequency in non-founder control populations. Based on the current evidence, this variant is classified as pathogenic for autosomal recessive UGT1A1-related disorders.

Labcorp Genetics (formerly Invitae), Labcorp
Classification: Uncertain significance. Last evaluated: 2025-01-24. Review status: criteria provided, single submitter. Criteria: Invitae Variant Classification Sherloc (09022015). Collection method: clinical testing. Allele origin: germline.
Comment: This sequence change replaces proline, which is neutral and non-polar, with leucine, which is neutral and non-polar, at codon 364 of the UGT1A1 protein (p.Pro364Leu). This variant is present in population databases (rs34946978, gnomAD 1.2%), and has an allele count higher than expected for a pathogenic variant. This missense change has been observed in individual(s) with Crigler-Najjar syndrome type II and/or Gilbert syndrome (PMID: 15304120, 27264814, 31737051, 34953813, 35257483, 35436954). This variant is also known as UGT1A1*63. ClinVar contains an entry for this variant (Variation ID: 212543). Invitae Evidence Modeling of protein sequence and biophysical properties (such as structural, functional, and spatial information, amino acid conservation, physicochemical variation, residue mobility, and thermodynamic stability) indicates that this missense variant is expected to disrupt UGT1A1 protein function with a positive predictive value of 80%. Experimental studies have shown that this missense change affects UGT1A1 function (PMID: 15304120). In summary, the available evidence is currently insufficient to determine the role of this variant in disease. Therefore, it has been classified as a Variant of Uncertain Significance.

Mayo Clinic Laboratories, Mayo Clinic
Classification: Pathogenic. Last evaluated: 2024-10-24. Review status: criteria provided, single submitter. Criteria: ACMG Guidelines, 2015. Collection method: clinical testing. Allele origin: germline. Observed: 6 variant alleles.
Comment: PP3, PS3, PS4

Blueprint Genetics
Classification: Pathogenic for UGT1A1 & UGT1A5-related disorders. Last evaluated: 2024-10-16. Review status: criteria provided, single submitter. Criteria: ACMG Guidelines, 2015. Collection method: clinical testing. Allele origin: germline. Affected: yes. Observed: 5 variant alleles.

NM_000463.3(UGT1A1):c.1091C>T (p.Pro364Leu)

Genes: UGT1A (UDP glucuronosyltransferase family 1 member A complex locus; plus strand), UGT1A1 (UDP glucuronosyltransferase family 1 member A1; plus strand), UGT1A8 (UDP glucuronosyltransferase family 1 member A8; plus strand), UGT1A9 (UDP glucuronosyltransferase family 1 member A9; plus strand), UGT1A10 (UDP glucuronosyltransferase family 1 member A10; plus strand) and 5 more. Cytogenetic location: 2q37.1.
Variant type: single nucleotide variant.
Coding change: c.1091C>T on transcript NM_000463.3 (MANE Select); coding-DNA position 1091, C replaced by T.
Protein change: p.Pro364Leu; replaces proline 364 with leucine.
Molecular consequence: missense variant.
Genome position (GRCh38, 1-based): chr2:233,768,226, C>T. VCF-style: chr2-233768226-C-T. GRCh37 (hg19) VCF-style: chr2-234676872-C-T.
Other names: c.1082C>T, p.Pro361Leu (NM_019076.5, NM_019077.3, NM_019075.4 and 1 more transcripts); c.1088C>T, p.Pro363Leu (NM_001072.4); c.287C>T, p.Pro96Leu (NM_205862.3); c.1094C>T, p.Pro365Leu (NM_019078.2, NM_007120.3, NM_019093.4); short protein forms P361L, P363L, P364L, P365L, P96L.
Identifiers: ClinVar variation 212543 (VCV000212543.57), dbSNP rs34946978, ClinGen allele CA209149.